The following is an entry in ClinVar:

NM_020998.4(MST1):c.1974G>T (p.Glu658Asp)

Gene: MST1 (macrophage stimulating 1; minus strand). Cytogenetic location: 3p21.31.
Variant type: single nucleotide variant.
Coding change: c.1974G>T on transcript NM_020998.4 (MANE Select); coding-DNA position 1974, G replaced by T.
Protein change: p.Glu658Asp; replaces glutamic acid 658 with aspartic acid.
Molecular consequence: missense variant. On other transcripts: non-coding transcript variant (1), intron variant (1).
Genome position (GRCh38, 1-based): chr3:49,684,356, C>A on the plus strand (G>T on the coding strand, the complement: MST1 is on the minus strand). VCF-style: chr3-49684356-C-A. GRCh37 (hg19) VCF-style: chr3-49721789-C-A.
Other names: c.2010G>T, p.Glu670Asp (NM_001393581.1); c.1884G>T, p.Glu628Asp (NM_001393583.1); c.1839G>T, p.Glu613Asp (NM_001393584.1); c.1674G>T, p.Glu558Asp (NM_001393585.1); c.1959+15G>T (NM_001393582.1); c.1974G>T (NM_020998.3); short protein forms E558D, E613D, E628D, E658D, E670D.
Identifiers: ClinVar variation 4821540 (VCV004821540.4).
Genomic context (GRCh38, chr3:49,684,356, plus strand): 5'-CAGGGCCCTGCCACCAACCTCACAGGCCCCCACAGGGGCCAACAGTCCCTCAGTGCACAT[C>A]TCACTCTCCCGCACACGTCCTCGGTGCTTGATGTTACACTCCTGGTTGGAGATGACATTC-3'
Protein context (NP_066278.3, residues 648-668): IKHRGRVRES[Glu658Asp]MCTEGLLAPV

ClinVar aggregate classification (germline): Conflicting classifications of pathogenicity. Review status: criteria provided, conflicting classifications (1 of 4 stars). 2 submissions from 2 submitters: Uncertain significance (1); Likely benign (1). Last evaluated 2026-06-01.

gnomAD v4.1: 82 of 1,613,278 alleles (0.0051%); highest among the groups gnomAD compares: South Asian, 0.049%; 1 homozygote.

Submissions (2):

CeGaT Center for Human Genetics Tuebingen
Classification: Likely benign. Last evaluated: 2026-06-01. Review status: criteria provided, single submitter. Criteria: CeGaT Center For Human Genetics Tuebingen Variant Classification Criteria Version 2. Collection method: clinical testing. Allele origin: germline. Affected: yes. Observed: 1 variant allele.
Comment: MST1: BS2

Ambry Genetics
Classification: Uncertain significance. Last evaluated: 2026-02-16. Review status: criteria provided, single submitter. Criteria: Ambry Variant Classification Scheme 2023. Collection method: clinical testing. Allele origin: germline.